The following is an entry in ClinVar:

NM_001351169.2(NT5C2):c.688-75del

Gene: NT5C2 (5'-nucleotidase, cytosolic II; minus strand). Cytogenetic location: 10q24.32.
Variant type: Deletion.
Coding change: c.688-75del on transcript NM_001351169.2 (MANE Select); 75 bases into the intron before coding-DNA position 688, one base deleted (T; older notation c.688-75delT).
Molecular consequence: intron variant.
Genome position (GRCh38, 1-based): chr10:103,097,449, A deleted on the plus strand (T on the coding strand, the reverse complement: NT5C2 is on the minus strand). VCF-style (leftmost placement, unchanged base first): chr10-103097448-GA-G. GRCh37 (hg19) VCF-style: chr10-104857205-GA-G.
Other names: c.601-75del (NM_001351174.1); c.115-75del (NM_001351191.1, NM_001351192.1, NM_001351193.1 and 16 more transcripts); c.-27-75del (NM_001351194.2, NM_001351195.2, NM_001351196.2); c.688-75del (NM_001134373.3, NM_012229.5); c.712-75del (NM_001351170.2, NM_001351171.2, NM_001351172.2 and 1 more transcripts); c.595-75del (NM_001351175.2); c.688-75delT (NM_012229.4).
Identifiers: ClinVar variation 667739 (VCV000667739.1), dbSNP rs34202831, ClinGen allele CA212326521.
Genomic context (GRCh38, chr10:103,097,448, plus strand): 5'-GGATAATGAGTGAAACACGAAAACATTTTTATCTTTACACTTTGGAGTTGTCAAATACTG[GA>G]TTTCTGTCCACAACAGGAATGGGGGAACCTTTTAAGGGTTAGCTGATTTCAGAATTTTGC-3'

ClinVar aggregate classification (germline): Benign (1 of 4 stars; one submission).

Allele frequency attached by ClinVar (database versions not stated): 1000 Genomes Project 30x 0.13648; TOPMed 0.13816; 1000 Genomes Project 0.13998; gnomAD 0.14480 and 0.14548; gnomAD exomes 0.15494.

Submission:

GeneDx
Classification: Benign. Last evaluated: 2018-06-14. Review status: criteria provided, single submitter. Criteria: GeneDx Variant Classification (06012015). Collection method: clinical testing. Allele origin: germline. Affected: yes.
Comment: This variant is considered likely benign or benign based on one or more of the following criteria: it is a conservative change, it occurs at a poorly conserved position in the protein, it is predicted to be benign by multiple in silico algorithms, and/or has population frequency not consistent with disease.